The following is an entry in ClinVar:

ClinVar aggregate classification (germline): Uncertain significance. Review status: criteria provided, multiple submitters, no conflicts (2 of 4 stars). 3 submissions from 3 submitters: Uncertain significance (3). Last evaluated 2025-05-14.

Conditions:
MHC class II deficiency. Also called: BLS, TYPE II; Bare lymphocyte syndrome 2. Identifiers: Orphanet 572, MedGen C5447452, MONDO:0008855.

Allele frequency attached by ClinVar (database versions not stated): gnomAD 0.00004 and 0.00005; ExAC 0.00006; 1000 Genomes Project 0.00020; gnomAD exomes 0.00007 and 0.00012; TOPMed 0.00007; ESP Exome Variant Server 0.00008; 1000 Genomes Project 30x 0.00016.

Submissions (3):

Ambry Genetics
Classification: Uncertain significance. Last evaluated: 2025-05-14. Review status: criteria provided, single submitter. Criteria: Ambry Variant Classification Scheme 2023. Collection method: clinical testing. Allele origin: germline.

Blueprint Genetics
Classification: Uncertain significance. Last evaluated: 2023-11-16. Review status: criteria provided, single submitter. Criteria: ACMG Guidelines, 2015. Collection method: clinical testing. Allele origin: germline.

Labcorp Genetics (formerly Invitae), Labcorp
Classification: Uncertain significance for MHC class II deficiency. Last evaluated: 2021-11-13. Review status: criteria provided, single submitter. Criteria: Invitae Variant Classification Sherloc (09022015). Collection method: clinical testing. Allele origin: germline.
Comment: This sequence change replaces serine, which is neutral and polar, with proline, which is neutral and non-polar, at codon 183 of the RFX5 protein (p.Ser183Pro). This variant is present in population databases (rs192832486, gnomAD 0.02%). This variant has not been reported in the literature in individuals affected with RFX5-related conditions. ClinVar contains an entry for this variant (Variation ID: 578958). Algorithms developed to predict the effect of missense changes on protein structure and function are either unavailable or do not agree on the potential impact of this missense change (SIFT: "Tolerated"; PolyPhen-2: "Possibly Damaging"; Align-GVGD: "Class C0"). In summary, the available evidence is currently insufficient to determine the role of this variant in disease. Therefore, it has been classified as a Variant of Uncertain Significance.

NM_001025603.2(RFX5):c.547T>C (p.Ser183Pro)

Gene: RFX5 (regulatory factor X5; minus strand). Cytogenetic location: 1q21.3.
Variant type: single nucleotide variant.
Coding change: c.547T>C on transcript NM_001025603.2 (MANE Select); coding-DNA position 547, T replaced by C.
Protein change: p.Ser183Pro; replaces serine 183 with proline.
Molecular consequence: missense variant.
Genome position (GRCh38, 1-based): chr1:151,344,205, A>G on the plus strand (T>C on the coding strand, the complement: RFX5 is on the minus strand). VCF-style: chr1-151344205-A-G. GRCh37 (hg19) VCF-style: chr1-151316681-A-G.
Other names: c.547T>C, p.Ser183Pro (NM_000449.4, NM_001379412.1, NM_001379413.1 and 5 more transcripts); c.427T>C, p.Ser143Pro (NM_001379419.1, NM_001379420.1); short protein forms S183P, S143P.
Identifiers: ClinVar variation 578958 (VCV000578958.8), dbSNP rs192832486, ClinGen allele CA1089804.